The following is an entry in ClinVar:

ClinVar aggregate classification (germline): Uncertain significance (1 of 4 stars; one submission).

Allele frequency attached by ClinVar (database versions not stated): TOPMed 0.00001.
gnomAD v4.1: 4 of 1,611,042 alleles (0.00025%); highest among the groups gnomAD compares: Non-Finnish European, 0.00034%; no homozygotes.

Submission:

GeneDx
Classification: Uncertain significance. Last evaluated: 2021-04-15. Review status: criteria provided, single submitter. Criteria: GeneDx Variant Classification Process June 2021. Collection method: clinical testing. Allele origin: germline. Affected: yes.
Comment: Not observed in large population cohorts (Lek et al., 2016); In silico analysis supports that this missense variant has a deleterious effect on protein structure/function; Has not been previously published as pathogenic or benign to our knowledge

NM_015570.4(AUTS2):c.3299C>T (p.Pro1100Leu)

Gene: AUTS2 (activator of transcription and developmental regulator AUTS2; plus strand). Cytogenetic location: 7q11.22.
Variant type: single nucleotide variant.
Coding change: c.3299C>T on transcript NM_015570.4 (MANE Select); coding-DNA position 3299, C replaced by T.
Protein change: p.Pro1100Leu; replaces proline 1100 with leucine.
Molecular consequence: missense variant.
Genome position (GRCh38, 1-based): chr7:70,790,515, C>T. VCF-style: chr7-70790515-C-T. GRCh37 (hg19) VCF-style: chr7-70255501-C-T.
Other names: c.3227C>T, p.Pro1076Leu (NM_001127231.3); short protein forms P1076L, P1100L.
Identifiers: ClinVar variation 1314798 (VCV001314798.2), dbSNP rs555021087, ClinGen allele CA160016951.